The following is an entry in ClinVar:

ClinVar aggregate classification (germline): Uncertain significance (1 of 4 stars; one submission).

Conditions:
2-aminoadipic 2-oxoadipic aciduria (AAKAD). Also called: Aminoadipic aciduria; ALPHA-AMINOADIPIC AND ALPHA-KETOADIPIC ACIDURIA. Identifiers: Orphanet 79154, MedGen C1859817, MONDO:0008774, OMIM 204750.

gnomAD v4.1: 25 of 1,604,140 alleles (0.0016%); highest among the groups gnomAD compares: Non-Finnish European, 0.002%; no homozygotes.

Submission:

Labcorp Genetics (formerly Invitae), Labcorp
Classification: Uncertain significance for 2-aminoadipic 2-oxoadipic aciduria. Last evaluated: 2024-08-21. Review status: criteria provided, single submitter. Criteria: Invitae Variant Classification Sherloc (09022015). Collection method: clinical testing. Allele origin: germline.
Comment: This sequence change replaces serine, which is neutral and polar, with glycine, which is neutral and non-polar, at codon 722 of the DHTKD1 protein (p.Ser722Gly). This variant is present in population databases (no rsID available, gnomAD 0.0009%). This variant has not been reported in the literature in individuals affected with DHTKD1-related conditions. Invitae Evidence Modeling of protein sequence and biophysical properties (such as structural, functional, and spatial information, amino acid conservation, physicochemical variation, residue mobility, and thermodynamic stability) indicates that this missense variant is not expected to disrupt DHTKD1 protein function with a negative predictive value of 80%. In summary, the available evidence is currently insufficient to determine the role of this variant in disease. Therefore, it has been classified as a Variant of Uncertain Significance.

NM_018706.7(DHTKD1):c.2164A>G (p.Ser722Gly)

Gene: DHTKD1 (dehydrogenase E1 and transketolase domain containing 1; plus strand). Cytogenetic location: 10p14.
Variant type: single nucleotide variant.
Coding change: c.2164A>G on transcript NM_018706.7 (MANE Select); coding-DNA position 2164, A replaced by G.
Protein change: p.Ser722Gly; replaces serine 722 with glycine.
Molecular consequence: missense variant.
Genome position (GRCh38, 1-based): chr10:12,112,909, A>G. VCF-style: chr10-12112909-A-G. GRCh37 (hg19) VCF-style: chr10-12154908-A-G.
Other names: short protein forms S722G.
Identifiers: ClinVar variation 3623966 (VCV003623966.2).